The following is an entry in ClinVar:

ClinVar aggregate classification (germline): Uncertain significance (1 of 4 stars; one submission).

gnomAD v4.1: 1 of 1,593,456 alleles (0.000063%); highest among the groups gnomAD compares: Non-Finnish European, 0.000085%; no homozygotes.

Submission:

Ambry Genetics
Classification: Uncertain significance. Last evaluated: 2026-03-01. Review status: criteria provided, single submitter. Criteria: Ambry Variant Classification Scheme 2023. Collection method: clinical testing. Allele origin: germline.
Comment: The p.S1848F variant (also known as c.5543C>T), located in coding exon 22 of the WNK2 gene, results from a C to T substitution at nucleotide position 5543. The serine at codon 1848 is replaced by phenylalanine, an amino acid with highly dissimilar properties. This amino acid position is conserved. In addition, the in silico prediction for this alteration is inconclusive. Based on the available evidence, the clinical significance of this variant remains unclear.

NM_006648.4(WNK2):c.5543C>T (p.Ser1848Phe)

Gene: WNK2 (WNK lysine deficient protein kinase 2; plus strand). Cytogenetic location: 9q22.31.
Variant type: single nucleotide variant.
Coding change: c.5543C>T on transcript NM_006648.4 (MANE Select); coding-DNA position 5543, C replaced by T.
Protein change: p.Ser1848Phe; replaces serine 1848 with phenylalanine.
Molecular consequence: missense variant.
Genome position (GRCh38, 1-based): chr9:93,293,008, C>T. VCF-style: chr9-93293008-C-T. GRCh37 (hg19) VCF-style: chr9-96055290-C-T.
Other names: c.5654C>T, p.Ser1885Phe (NM_001282394.3); short protein forms S1885F, S1848F.
Identifiers: ClinVar variation 4826227 (VCV004826227.1).